The following is an entry in ClinVar:

ClinVar aggregate classification (germline): Uncertain significance (1 of 4 stars; one submission).

Conditions:
Ataxia-telangiectasia syndrome (AT). Also called: ATAXIA-TELANGIECTASIA, COMPLEMENTATION GROUP A; ATAXIA-TELANGIECTASIA, FRESNO VARIANT; Ataxia-telangiectasia; Ataxia-telangiectasia, complementation group E; LOUIS-BAR SYNDROME; Cerebello-oculocutaneous telangiectasia. Identifiers: Orphanet 100, MedGen C0004135, MONDO:0008840, OMIM 208900.

Submission:

Labcorp Genetics (formerly Invitae), Labcorp
Classification: Uncertain significance for Ataxia-telangiectasia syndrome. Last evaluated: 2025-09-02. Review status: criteria provided, single submitter. Criteria: Invitae Variant Classification Sherloc (09022015). Collection method: clinical testing. Allele origin: germline.
Comment: This sequence change replaces aspartic acid, which is acidic and polar, with valine, which is neutral and non-polar, at codon 2841 of the ATM protein (p.Asp2841Val). This variant is not present in population databases (gnomAD no frequency). This variant has not been reported in the literature in individuals affected with ATM-related conditions. ClinVar contains an entry for this variant (Variation ID: 2880903). Invitae Evidence Modeling of protein sequence and biophysical properties (such as structural, functional, and spatial information, amino acid conservation, physicochemical variation, residue mobility, and thermodynamic stability) indicates that this missense variant is expected to disrupt ATM protein function with a positive predictive value of 95%. In summary, the available evidence is currently insufficient to determine the role of this variant in disease. Therefore, it has been classified as a Variant of Uncertain Significance.

NM_000051.4(ATM):c.8522A>T (p.Asp2841Val)

Genes: ATM (ATM serine/threonine kinase; plus strand), C11orf65 (chromosome 11 open reading frame 65; minus strand). Cytogenetic location: 11q22.3.
Variant type: single nucleotide variant.
Coding change: c.8522A>T on transcript NM_000051.4 (MANE Select); coding-DNA position 8522, A replaced by T.
Protein change: p.Asp2841Val; replaces aspartic acid 2841 with valine.
Molecular consequence: missense variant. On other transcripts: intron variant (2).
Genome position (GRCh38, 1-based): chr11:108,345,846, A>T. VCF-style: chr11-108345846-A-T. GRCh37 (hg19) VCF-style: chr11-108216573-A-T.
Other names: c.8522A>T, p.Asp2841Val (NM_001351834.2); c.641-36775T>A (NM_001330368.2); c.695-10554T>A (NM_001351110.2); short protein forms D2841V.
Identifiers: ClinVar variation 2880903 (VCV002880903.3), dbSNP rs1043353490, ClinGen allele CA228366962.
Genomic context (GRCh38, chr11:108,345,846, plus strand): 5'-TGGATGTTTGCCAAAATTTTCAACCAGTTTTCCGTTACTTCTGCATGGAAAAATTCTTGG[A>T]TCCAGCTATTTGGTTTGAGAAGCGATTGGCTTATACGCGCAGTGTAGCTACTTCTTCTAT-3'
Protein context (NP_000042.3, residues 2831-2851): FRYFCMEKFL[Asp2841Val]PAIWFEKRLA